The following is an entry in ClinVar:

NM_000557.5(GDF5):c.464C>T (p.Pro155Leu)

Gene: GDF5 (growth differentiation factor 5; minus strand). Cytogenetic location: 20q11.22.
Variant type: single nucleotide variant.
Coding change: c.464C>T on transcript NM_000557.5 (MANE Select); coding-DNA position 464, C replaced by T.
Protein change: p.Pro155Leu; replaces proline 155 with leucine.
Molecular consequence: missense variant.
Genome position (GRCh38, 1-based): chr20:35,437,465, G>A on the plus strand (C>T on the coding strand, the complement: GDF5 is on the minus strand). VCF-style: chr20-35437465-G-A. GRCh37 (hg19) VCF-style: chr20-34025245-G-A.
Other names: c.464C>T, p.Pro155Leu (NM_001319138.2); c.464C>T (NM_000557.4); short protein forms P155L.
Identifiers: ClinVar variation 2511863 (VCV002511863.4), dbSNP rs757005323, ClinGen allele CA9832345.

ClinVar aggregate classification (germline): Uncertain significance. Review status: criteria provided, multiple submitters, no conflicts (2 of 4 stars). 2 submissions from 2 submitters: Uncertain significance (2). Last evaluated 2026-05-05.

Conditions:
GDF5-related disorder. Also called: GDF5-related condition; GDF5 (CDMP1)-related disorder. Identifiers: MedGen CN169990.
Inborn genetic diseases. Identifiers: MedGen C0950123, MeSH D030342.

Allele frequency attached by ClinVar (database versions not stated): ExAC 0.00002.
gnomAD v4.1: 24 of 1,613,950 alleles (0.0015%); highest among the groups gnomAD compares: Middle Eastern, 0.033%; 1 homozygote.

Submissions (2):

PreventionGenetics, part of Exact Sciences
Classification: Uncertain significance for GDF5-related condition. Last evaluated: 2026-05-05. Review status: criteria provided, single submitter. Criteria: ACMG Guidelines, 2015. Collection method: clinical testing. Allele origin: germline.
Comment: The GDF5 c.464C>T variant is predicted to result in the amino acid substitution p.Pro155Leu. To our knowledge, this variant has not been reported in the literature. This variant is reported in 0.020% of alleles in individuals of East Asian descent in gnomAD. At this time, the clinical significance of this variant is uncertain due to the absence of conclusive functional and genetic evidence.

Ambry Genetics
Classification: Uncertain significance for Inborn genetic diseases. Last evaluated: 2023-05-23. Review status: criteria provided, single submitter. Criteria: Ambry Variant Classification Scheme 2023. Collection method: clinical testing. Allele origin: germline.